The following is an entry in ClinVar:

NM_001277115.2(DNAH11):c.7333T>C (p.Ser2445Pro)

Gene: DNAH11 (dynein axonemal heavy chain 11; plus strand). Cytogenetic location: 7p15.3.
Variant type: single nucleotide variant.
Coding change: c.7333T>C on transcript NM_001277115.2 (MANE Select); coding-DNA position 7333, T replaced by C.
Protein change: p.Ser2445Pro; replaces serine 2445 with proline.
Molecular consequence: missense variant.
Genome position (GRCh38, 1-based): chr7:21,725,877, T>C. VCF-style: chr7-21725877-T-C. GRCh37 (hg19) VCF-style: chr7-21765495-T-C.
Other names: c.7354T>C, p.Ser2452Pro (NM_003777.3); short protein forms S2452P, S2445P.
Identifiers: ClinVar variation 1758391 (VCV001758391.2), dbSNP rs2535042293, ClinGen allele CA366945613.

ClinVar aggregate classification (germline): Uncertain significance (1 of 4 stars; one submission).

Conditions:
Primary ciliary dyskinesia. Also called: Ciliary dyskinesia. Identifiers: Orphanet 244, MedGen C0008780, MONDO:0016575, HP:0012265.

Submission:

Ambry Genetics
Classification: Uncertain significance for Primary ciliary dyskinesia. Last evaluated: 2015-10-06. Review status: criteria provided, single submitter. Criteria: Ambry Variant Classification Scheme 2023. Collection method: clinical testing. Allele origin: germline.
Comment: The p.S2445P variant (also known as c.7333T>C), located in coding exon 45 of the DNAH11 gene, results from a T to C substitution at nucleotide position 7333. The serine at codon 2445 is replaced by proline, an amino acid with some similar properties. This variant was not reported in population based cohorts in the following databases: Database of Single Nucleotide Polymorphisms (dbSNP), NHLBI Exome Sequencing Project (ESP), and 1000 Genomes Project. In the ESP, this variant was not observed in 5914 samples (11828 alleles) with coverage at this position. This amino acid position is not well conserved in available vertebrate species. In addition, this alteration is predicted to be deleterious by SIFT in silico analysis. Since supporting evidence is limited at this time, the clinical significance of p.S2445P remains unclear.